The following is an entry in ClinVar:

ClinVar aggregate classification (germline): Pathogenic/Likely pathogenic. Review status: criteria provided, multiple submitters, no conflicts (2 of 4 stars). 2 submissions from 2 submitters: Pathogenic (1); Likely pathogenic (1). Last evaluated 2023-01-26.

Conditions:
Autosomal recessive limb-girdle muscular dystrophy type 2B (LGMDR2). Also called: Limb-Girdle Muscular Dystrophy Type 2B (LGMD2B); Limb-girdle muscular dystrophy, type 2B; MUSCULAR DYSTROPHY, LIMB-GIRDLE, TYPE 3; MUSCULAR DYSTROPHY, LIMB-GIRDLE, AUTOSOMAL RECESSIVE 2. Identifiers: Orphanet 268, MedGen C1850889, MONDO:0009676, OMIM 253601.
Miyoshi muscular dystrophy 1 (MMD1). Identifiers: Orphanet 45448, MedGen C4551973, MONDO:0024545, OMIM 254130.

Allele frequency attached by ClinVar (database versions not stated): gnomAD exomes below 0.00001.
gnomAD v4.1: 1 of 1,611,722 alleles (0.000062%); highest among the groups gnomAD compares: Non-Finnish European, 0.000085%; no homozygotes.

Submissions (2):

Baylor Genetics
Classification: Pathogenic for Miyoshi muscular dystrophy 1. Last evaluated: 2023-01-26. Review status: criteria provided, single submitter. Criteria: ACMG Guidelines, 2015. Collection method: clinical testing. Allele origin: unknown.

Neuberg Centre For Genomic Medicine, NCGM
Classification: Likely pathogenic for Autosomal recessive limb-girdle muscular dystrophy type 2B. Review status: criteria provided, single submitter. Criteria: ACMG Guidelines, 2015. Collection method: clinical testing. Allele origin: germline. Inheritance: Autosomal recessive inheritance. Affected: yes.
Comment: The stop gained c.4550G>A (p.Trp1517Ter) variant has not been reported previously as a pathogenic variant nor as a benign variant, to our knowledge. The p.Trp1517Ter variant is novel (not in any individuals) in gnomAD Exomes and is novel (not in any individuals) in 1000 Genomes. This variant is predicted to cause loss of normal protein function through protein truncation. Loss of function variants have been previously reported to be disease causing. For these reasons, this variant has been classified as Likely Pathigenic.

NM_001130987.2(DYSF):c.4550G>A (p.Trp1517Ter)

Gene: DYSF (dysferlin; plus strand). Cytogenetic location: 2p13.2.
Variant type: single nucleotide variant.
Coding change: c.4550G>A on transcript NM_001130987.2 (MANE Select); coding-DNA position 4550, G replaced by A.
Protein change: p.Trp1517Ter; replaces tryptophan 1517 with a stop codon.
Molecular consequence: nonsense.
Genome position (GRCh38, 1-based): chr2:71,643,987, G>A. VCF-style: chr2-71643987-G-A. GRCh37 (hg19) VCF-style: chr2-71871117-G-A.
Other names: c.4436G>A, p.Trp1479Ter (NM_001130455.2); c.4391G>A, p.Trp1464Ter (NM_001130976.2); c.4454G>A, p.Trp1485Ter (NM_001130977.2); c.4496G>A, p.Trp1499Ter (NM_001130978.2); c.4526G>A, p.Trp1509Ter (NM_001130979.2); c.4484G>A, p.Trp1495Ter (NM_001130980.2); c.4547G>A, p.Trp1516Ter (NM_001130981.2); c.4529G>A, p.Trp1510Ter (NM_001130982.2); and 5 more; short protein forms W1464*, W1465*, W1478*, W1509*, W1510*, W1495*, W1499*, W1479*.
Identifiers: ClinVar variation 2585029 (VCV002585029.2), dbSNP rs2094528176, ClinGen allele CA347217851.